The following is an entry in ClinVar:

ClinVar aggregate classification (germline): Uncertain significance (1 of 4 stars; one submission).

Allele frequency attached by ClinVar (database versions not stated): gnomAD 0.00001; gnomAD exomes 0.00001; TOPMed 0.00001.
gnomAD v4.1: 20 of 1,613,882 alleles (0.0012%); highest among the groups gnomAD compares: Middle Eastern, 0.016%; no homozygotes.

Submission:

Labcorp Genetics (formerly Invitae), Labcorp
Classification: Uncertain significance. Last evaluated: 2022-09-01. Review status: criteria provided, single submitter. Criteria: Invitae Variant Classification Sherloc (09022015). Collection method: clinical testing. Allele origin: germline.
Comment: Algorithms developed to predict the effect of missense changes on protein structure and function output the following: SIFT: "Tolerated"; PolyPhen-2: "Benign"; Align-GVGD: "Class C0". The leucine amino acid residue is found in multiple mammalian species, which suggests that this missense change does not adversely affect protein function. This variant has not been reported in the literature in individuals affected with ITGAM-related conditions. This variant is present in population databases (no rsID available, gnomAD no frequency). This sequence change replaces phenylalanine, which is neutral and non-polar, with leucine, which is neutral and non-polar, at codon 1043 of the ITGAM protein (p.Phe1043Leu). In summary, the available evidence is currently insufficient to determine the role of this variant in disease. Therefore, it has been classified as a Variant of Uncertain Significance.

NM_000632.4(ITGAM):c.3127T>C (p.Phe1043Leu)

Gene: ITGAM (integrin subunit alpha M; plus strand). Cytogenetic location: 16p11.2.
Variant type: single nucleotide variant.
Coding change: c.3127T>C on transcript NM_000632.4 (MANE Select); coding-DNA position 3127, T replaced by C.
Protein change: p.Phe1043Leu; replaces phenylalanine 1043 with leucine.
Molecular consequence: missense variant.
Genome position (GRCh38, 1-based): chr16:31,330,374, T>C. VCF-style: chr16-31330374-T-C. GRCh37 (hg19) VCF-style: chr16-31341695-T-C.
Other names: c.3130T>C, p.Phe1044Leu (NM_001145808.2); short protein forms F1043L, F1044L.
Identifiers: ClinVar variation 1981736 (VCV001981736.4), dbSNP rs1293973674, ClinGen allele CA395702008.
Genomic context (GRCh38, chr16:31,330,374, plus strand): 5'-TCCATCGCTGTCTGCCAGAGAATCCAGTGTGACATCCCGTTCTTTGGCATCCAGGAAGAA[T>C]TCAATGCTACCCTCAAAGGCAACCTCTCGTTTGACTGGTACATCAAGGTGTGTGGGGTCC-3'
Protein context (NP_000623.2, residues 1033-1053): DIPFFGIQEE[Phe1043Leu]NATLKGNLSF